The following is an entry in ClinVar:

ClinVar aggregate classification (germline): Uncertain significance (1 of 4 stars; one submission).

Conditions:
Autoimmune lymphoproliferative syndrome type 2A (ALPS2A). Also called: AUTOIMMUNE LYMPHOPROLIFERATIVE SYNDROME, TYPE IIA; CASP10-Related Autoimmune Lymphoproliferative Syndrome; Autoimmune lymphoproliferative syndrome type 2. Identifiers: Orphanet 3261, MedGen C1858968, MONDO:0011383, OMIM 603909.

Allele frequency attached by ClinVar (database versions not stated): gnomAD 0.00001.
gnomAD v4.1: 3 of 1,611,700 alleles (0.00019%); highest among the groups gnomAD compares: Admixed American, 0.0017%; no homozygotes.

Submission:

Labcorp Genetics (formerly Invitae), Labcorp
Classification: Uncertain significance for Autoimmune lymphoproliferative syndrome type 2A. Last evaluated: 2026-01-27. Review status: criteria provided, single submitter. Criteria: Invitae Variant Classification Sherloc (09022015). Collection method: clinical testing. Allele origin: germline.
Comment: This sequence change replaces alanine, which is neutral and non-polar, with threonine, which is neutral and polar, at codon 273 of the CASP10 protein (p.Ala273Thr). This variant is not present in population databases (gnomAD no frequency). This variant has not been reported in the literature in individuals affected with CASP10-related conditions. ClinVar contains an entry for this variant (Variation ID: 1357502). Invitae Evidence Modeling of protein sequence and biophysical properties (such as structural, functional, and spatial information, amino acid conservation, physicochemical variation, residue mobility, and thermodynamic stability) indicates that this missense variant is not expected to disrupt CASP10 protein function with a negative predictive value of 80%. In summary, the available evidence is currently insufficient to determine the role of this variant in disease. Therefore, it has been classified as a Variant of Uncertain Significance.

NM_032977.4(CASP10):c.817G>A (p.Ala273Thr)

Gene: CASP10 (caspase 10; plus strand). Cytogenetic location: 2q33.1.
Variant type: single nucleotide variant.
Coding change: c.817G>A on transcript NM_032977.4 (MANE Select); coding-DNA position 817, G replaced by A.
Protein change: p.Ala273Thr; replaces alanine 273 with threonine.
Molecular consequence: missense variant. On other transcripts: intron variant (1).
Genome position (GRCh38, 1-based): chr2:201,208,078, G>A. VCF-style: chr2-201208078-G-A. GRCh37 (hg19) VCF-style: chr2-202072801-G-A.
Other names: c.688G>A, p.Ala230Thr (NM_001206542.2, NM_001230.5); c.817G>A, p.Ala273Thr (NM_032974.5); c.725G>A, p.Gly242Asp (NM_032976.4); c.722-992G>A (NM_001206524.2); short protein forms G242D, A230T, A273T.
Identifiers: ClinVar variation 1357502 (VCV001357502.8), dbSNP rs1335254762, ClinGen allele CA350285896.